The following is an entry in ClinVar:

ClinVar aggregate classification (germline): Uncertain significance. Review status: criteria provided, multiple submitters, no conflicts (2 of 4 stars). 4 submissions from 4 submitters: Uncertain significance (4). Last evaluated 2023-05-26.

Conditions:
Amyotrophic lateral sclerosis type 1 (ALS1). Also called: AMYOTROPHIC LATERAL SCLEROSIS 1, FAMILIAL. Identifiers: Orphanet 803, MedGen C1862939, MONDO:0007103, OMIM 105400.

Allele frequency attached by ClinVar (database versions not stated): gnomAD exomes 0.00001 and 0.00002; TOPMed 0.00001; ExAC 0.00002.

Submissions (4):

Mayo Clinic Laboratories, Mayo Clinic
Classification: Uncertain significance. Last evaluated: 2023-05-26. Review status: criteria provided, single submitter. Criteria: ACMG Guidelines, 2015. Collection method: clinical testing. Allele origin: germline. Observed: 1 variant allele.

Labcorp Genetics (formerly Invitae), Labcorp
Classification: Uncertain significance for Amyotrophic lateral sclerosis type 1. Last evaluated: 2023-05-17. Review status: criteria provided, single submitter. Criteria: Invitae Variant Classification Sherloc (09022015). Collection method: clinical testing. Allele origin: germline.
Comment: In summary, the available evidence is currently insufficient to determine the role of this variant in disease. Therefore, it has been classified as a Variant of Uncertain Significance. Algorithms developed to predict the effect of missense changes on protein structure and function output the following: SIFT: "Not Available"; PolyPhen-2: "Benign"; Align-GVGD: "Not Available". The threonine amino acid residue is found in multiple mammalian species, which suggests that this missense change does not adversely affect protein function. ClinVar contains an entry for this variant (Variation ID: 899187). This variant has not been reported in the literature in individuals affected with SOD1-related conditions. This variant is present in population databases (rs747094021, gnomAD 0.03%). This sequence change replaces alanine, which is neutral and non-polar, with threonine, which is neutral and polar, at codon 153 of the SOD1 protein (p.Ala153Thr).

GeneDx
Classification: Uncertain significance. Last evaluated: 2022-03-01. Review status: criteria provided, single submitter. Criteria: GeneDx Variant Classification Process June 2021. Collection method: clinical testing. Allele origin: germline. Affected: yes.
Comment: In silico analysis supports that this missense variant does not alter protein structure/function; Has not been previously published as pathogenic or benign to our knowledge

Illumina Laboratory Services, Illumina
Classification: Uncertain significance for Amyotrophic lateral sclerosis type 1. Last evaluated: 2018-01-12. Review status: criteria provided, single submitter. Criteria: ICSL Variant Classification Criteria 13 December 2019. Collection method: clinical testing. Allele origin: germline.

NM_000454.5(SOD1):c.457G>A (p.Ala153Thr)

Gene: SOD1 (superoxide dismutase 1; plus strand). Cytogenetic location: 21q22.11.
Variant type: single nucleotide variant.
Coding change: c.457G>A on transcript NM_000454.5 (MANE Select); coding-DNA position 457, G replaced by A.
Protein change: p.Ala153Thr; replaces alanine 153 with threonine.
Molecular consequence: missense variant.
Genome position (GRCh38, 1-based): chr21:31,668,570, G>A. VCF-style: chr21-31668570-G-A. GRCh37 (hg19) VCF-style: chr21-33040883-G-A.
Other names: p.Ala153Thr; short protein forms A153T.
Identifiers: ClinVar variation 899187 (VCV000899187.9), dbSNP rs747094021, ClinGen allele CA9998987.